The following is an entry in ClinVar:

ClinVar aggregate classification (germline): Pathogenic/Likely pathogenic. Review status: criteria provided, multiple submitters, no conflicts (2 of 4 stars). 2 submissions from 2 submitters: Pathogenic (1); Likely pathogenic (1). Last evaluated 2025-12-09.

Conditions:
Familial adenomatous polyposis 1 (FAP1). Also called: FAMILIAL ADENOMATOUS POLYPOSIS 1, ATTENUATED; POLYPOSIS, ADENOMATOUS INTESTINAL. Identifiers: MedGen C2713442, MONDO:0021056, OMIM 175100. Disease mechanism: loss of function.
Hereditary cancer-predisposing syndrome. Also called: Hereditary Cancer Syndrome; Tumor predisposition; Hereditary neoplastic syndrome; Neoplastic Syndromes, Hereditary. Identifiers: Orphanet 140162, MedGen C0027672, MeSH D009386, MONDO:0015356.

Submissions (2):

Ambry Genetics
Classification: Likely pathogenic for Hereditary cancer-predisposing syndrome. Last evaluated: 2025-12-09. Review status: criteria provided, single submitter. Criteria: Ambry Variant Classification Scheme 2023. Collection method: clinical testing. Allele origin: germline.
Comment: The c.1968_1971delAAGA variant, located in coding exon 15 of the APC gene, results from a deletion of 4 nucleotides at nucleotide positions 1968 to 1971, causing a translational frameshift with a predicted alternate stop codon (p.E658Tfs*11). This alteration occurs at the 3' terminus of the gene, is not expected to trigger nonsense-mediated mRNA decay, and impacts the last 77% of the protein. However, premature stop codons are typically deleterious in nature, the impacted region is critical for protein function, and a significant portion of the protein is affected (Ambry internal data). This variant is considered to be rare based on population cohorts in the Genome Aggregation Database (gnomAD). Based on the majority of available evidence to date, this variant is likely to be pathogenic.

Labcorp Genetics (formerly Invitae), Labcorp
Classification: Pathogenic for Familial adenomatous polyposis 1. Last evaluated: 2024-01-05. Review status: criteria provided, single submitter. Criteria: Invitae Variant Classification Sherloc (09022015). Collection method: clinical testing. Allele origin: germline.
Comment: This sequence change creates a premature translational stop signal (p.Glu658Thrfs*11) in the APC gene. While this is not anticipated to result in nonsense mediated decay, it is expected to disrupt the last 2186 amino acid(s) of the APC protein. This variant is not present in population databases (gnomAD no frequency). This premature translational stop signal has been observed in individual(s) with familial adenomatous polyposis and several colorectal polyps (PMID: 2068568, 20564245, 23159591, 25604157). ClinVar contains an entry for this variant (Variation ID: 646278). This variant is expected to disrupt the EB1 and HDLG binding sites, which mediate interactions with the cytoskeleton (PMID: 15311282, 17293347). While functional studies have not been performed to directly test the effect on APC protein function, this suggests that disruption of the C-terminal portion of the protein is functionally important. A different truncation (p.Tyr2645Lysfs*14) that lies downstream of this variant has been determined to be pathogenic (PMID: 9824584, 1316610, 27081525, 8381579, 22135120, Invitae). This suggests that deletion of this region of the APC protein is causative of disease. For these reasons, this variant has been classified as Pathogenic.

Literature cited by the submitters: PubMed 2068568 (cited by Labcorp Genetics (formerly Invitae), Labcorp); PubMed 20564245 (cited by Labcorp Genetics (formerly Invitae), Labcorp); PubMed 23159591 (cited by Labcorp Genetics (formerly Invitae), Labcorp); PubMed 25604157 (cited by Labcorp Genetics (formerly Invitae), Labcorp); PubMed 15311282 (cited by Labcorp Genetics (formerly Invitae), Labcorp); PubMed 17293347 (cited by Labcorp Genetics (formerly Invitae), Labcorp); PubMed 9824584 (cited by Labcorp Genetics (formerly Invitae), Labcorp); PubMed 1316610 (cited by Labcorp Genetics (formerly Invitae), Labcorp); PubMed 27081525 (cited by Labcorp Genetics (formerly Invitae), Labcorp); PubMed 8381579 (cited by Labcorp Genetics (formerly Invitae), Labcorp); PubMed 22135120 (cited by Labcorp Genetics (formerly Invitae), Labcorp).

NM_000038.6(APC):c.1968_1971del (p.Glu658fs)

Gene: APC (APC regulator of Wnt signaling pathway; plus strand). Cytogenetic location: 5q22.2.
Variant type: Deletion.
Coding change: c.1968_1971del on transcript NM_000038.6 (MANE Select); coding-DNA positions 1968 to 1971, 4 bases deleted (AAGA; older notation c.1968_1971delAAGA).
Protein change: p.Glu658fs; shifts the reading frame from glutamic acid 658.
Molecular consequence: frameshift variant.
Genome position (GRCh38, 1-based): chr5:112,837,562-112,837,565, AAGA deleted. VCF-style (leftmost placement, unchanged base first): chr5-112837561-TAAGA-T. GRCh37 (hg19) VCF-style: chr5-112173258-TAAGA-T.
Other names: c.1968_1971del (NM_000038.5); c.1968_1971del, p.Glu658fs (NM_001127510.3, NM_001354895.2); c.1914_1917del, p.Glu640fs (NM_001127511.3); c.2022_2025del, p.Glu676fs (NM_001354896.2); c.1998_2001del, p.Glu668fs (NM_001354897.2); c.1893_1896del, p.Glu633fs (NM_001354898.2); c.1884_1887del, p.Glu630fs (NM_001354899.2); c.1845_1848del, p.Glu617fs (NM_001354900.2); and 6 more; short protein forms E567fs, E599fs, E658fs, E676fs, E498fs, E532fs, E617fs, E668fs.
Identifiers: ClinVar variation 646278 (VCV000646278.13), dbSNP rs1580616970, ClinGen allele CA913189191.